The following is an entry in ClinVar:

NM_004820.5(CYP7B1):c.945_947dup (p.Ala317dup)

Gene: CYP7B1 (cytochrome P450 family 7 subfamily B member 1; minus strand). Cytogenetic location: 8q12.3.
Variant type: Duplication.
Coding change: c.945_947dup on transcript NM_004820.5 (MANE Select); coding-DNA positions 945 to 947, 3 bases duplicated (GGC; older notation c.945_947dupGGC).
Protein change: p.Ala317dup; duplicates alanine 317.
Molecular consequence: inframe insertion.
Genome position (GRCh38, 1-based): chr8:64,615,136-64,615,138, GCC duplicated on the plus strand (GGC on the coding strand, the reverse complement: CYP7B1 is on the minus strand). VCF-style (leftmost placement, unchanged base first): chr8-64615135-T-TGCC. GRCh37 (hg19) VCF-style: chr8-65527692-T-TGCC.
Other names: p.Ala317dup; c.945_947dup, p.Ala317dup (NM_001324112.2).
Identifiers: ClinVar variation 850798 (VCV000850798.3), dbSNP rs757326595, ClinGen allele CA4764104.

ClinVar aggregate classification (germline): Uncertain significance. Review status: criteria provided, multiple submitters, no conflicts (2 of 4 stars). 3 submissions from 3 submitters: Uncertain significance (3). Last evaluated 2023-02-14.

Conditions:
Spastic paraplegia. Identifiers: MedGen C0037772, HP:0001258.

Allele frequency attached by ClinVar (database versions not stated): gnomAD exomes 0.00001; ExAC 0.00002.

Submissions (3):

Blueprint Genetics
Classification: Uncertain significance. Last evaluated: 2023-02-14. Review status: criteria provided, single submitter. Criteria: ACMG Guidelines, 2015. Collection method: clinical testing. Allele origin: germline.

Mayo Clinic Laboratories, Mayo Clinic
Classification: Uncertain significance. Last evaluated: 2022-03-17. Review status: criteria provided, single submitter. Criteria: ACMG Guidelines, 2015. Collection method: clinical testing. Allele origin: germline. Observed: 1 variant allele.
Comment: PM2, PM4

Labcorp Genetics (formerly Invitae), Labcorp
Classification: Uncertain significance for Spastic paraplegia. Last evaluated: 2019-05-28. Review status: criteria provided, single submitter. Criteria: Invitae Variant Classification Sherloc (09022015). Collection method: clinical testing. Allele origin: germline.
Comment: This variant, c.945_947dup, results in the insertion of 1 amino acid(s) to the CYP7B1 protein (p.Ala317dup), but otherwise preserves the integrity of the reading frame. This variant is present in population databases (rs757326595, ExAC 0.003%). This variant has been observed in combination with another CYP7B1 variant in an individual affected with hereditary spastic paraplegia (PMID: 24117163). Experimental studies and prediction algorithms are not available or were not evaluated for this variant, and the functional significance of the affected amino acid(s) is currently unknown. In summary, the available evidence is currently insufficient to determine the role of this variant in disease. Therefore, it has been classified as a Variant of Uncertain Significance.

Literature cited by the submitters: PubMed 24117163 (cited by Mayo Clinic Laboratories, Mayo Clinic and Labcorp Genetics (formerly Invitae), Labcorp).